The following is an entry in ClinVar:

NM_001081.4(CUBN):c.1681G>A (p.Asp561Asn)

Gene: CUBN (cubilin; minus strand). Cytogenetic location: 10p13.
Variant type: single nucleotide variant.
Coding change: c.1681G>A on transcript NM_001081.4 (MANE Select); coding-DNA position 1681, G replaced by A.
Protein change: p.Asp561Asn; replaces aspartic acid 561 with asparagine.
Molecular consequence: missense variant.
Genome position (GRCh38, 1-based): chr10:17,100,089, C>T on the plus strand (G>A on the coding strand, the complement: CUBN is on the minus strand). VCF-style: chr10-17100089-C-T. GRCh37 (hg19) VCF-style: chr10-17142088-C-T.
Other names: short protein forms D561N.
Identifiers: ClinVar variation 299522 (VCV000299522.21), dbSNP rs147449194, ClinGen allele CA5425221.
Genomic context (GRCh38, chr10:17,100,089, plus strand): 5'-CTGTAAAGCCTCTCCCATTTCTTAAATGTTCAGAATAGAGATGAAAATAGAGAGCATTGT[C>T]ACTGCTGAGGAGTTCATGAGGGAGGCTGGAGCCACAAAATCTTCCAAGTTGAAAAGCAGA-3'
Protein context (NP_001072.2, residues 551-571): SSLPHELLSS[Asp561Asn]NALYFHLYSE

ClinVar aggregate classification (germline): Conflicting classifications of pathogenicity. Review status: criteria provided, conflicting classifications (1 of 4 stars). 5 submissions from 5 submitters: Uncertain significance (1); Likely benign (3). 1 of the submissions does not count toward it. Last evaluated 2025-11-10.

Conditions:
CUBN-related disorder. Also called: CUBN-related condition.
Inborn genetic diseases. Identifiers: MedGen C0950123, MeSH D030342.
Imerslund-Grasbeck syndrome type 1 (IGS1). Also called: Megaloblastic anemia 1, Finnish type; MEGALOBLASTIC ANEMIA, 1; Imerslund-Gräsbeck syndrome 1. Identifiers: MedGen C4016819, MONDO:0100156, OMIM 261100.
Imerslund-Grasbeck syndrome. Also called: Megaloblastic anemia due to inborn errors of metabolism; Imerslund-Gräsbeck syndrome; ENTEROCYTE COBALAMIN MALABSORPTION; ENTEROCYTE INTRINSIC FACTOR RECEPTOR, DEFECT OF; PERNICIOUS ANEMIA, JUVENILE, DUE TO SELECTIVE INTESTINAL MALABSORPTION OF VITAMIN B12, WITH PROTEINURIA. Identifiers: Orphanet 35858, MedGen C4551825, MONDO:0009853.

Allele frequency attached by ClinVar (database versions not stated): gnomAD exomes 0.00016 and 0.00048; 1000 Genomes Project 30x 0.00141; gnomAD 0.00181 and 0.00169; ESP Exome Variant Server 0.00254; ExAC 0.00060; TOPMed 0.00192; 1000 Genomes Project 0.00100.
gnomAD v4.1: 492 of 1,613,920 alleles (0.03%); highest among the groups gnomAD compares: African/African-American, 0.6%; 1 homozygote.

Submissions (5):

Labcorp Genetics (formerly Invitae), Labcorp
Classification: Likely benign for Imerslund-Grasbeck syndrome. Last evaluated: 2025-11-10. Review status: criteria provided, single submitter. Criteria: Invitae Variant Classification Sherloc (09022015). Collection method: clinical testing. Allele origin: germline.

Ambry Genetics
Classification: Uncertain significance for Inborn genetic diseases. Last evaluated: 2021-10-05. Review status: criteria provided, single submitter. Criteria: Ambry Variant Classification Scheme 2023. Collection method: clinical testing. Allele origin: germline.

Illumina Laboratory Services, Illumina
Classification: Likely benign for Imerslund-Grasbeck syndrome type 1. Last evaluated: 2018-01-12. Review status: criteria provided, single submitter. Criteria: ICSL Variant Classification Criteria 13 December 2019. Collection method: clinical testing. Allele origin: germline.
Comment: This variant was observed in the ICSL laboratory as part of a predisposition screen in an ostensibly healthy population. It had not been previously curated by ICSL or reported in the Human Gene Mutation Database (HGMD: prior to June 1st, 2018), and was therefore a candidate for classification through an automated scoring system. Utilizing variant allele frequency, disease prevalence and penetrance estimates, and inheritance mode, an automated score was calculated to assess if this variant is too frequent to cause the disease. Based on the score and internal cut-off values, a variant classified as likely benign is not then subjected to further curation. The score for this variant resulted in a classification of likely benign for this disease.

Eurofins Ntd Llc (ga)
Classification: Likely benign. Last evaluated: 2017-04-07. Review status: criteria provided, single submitter. Criteria: EGL Classification Definitions 2015. Collection method: clinical testing. Allele origin: germline. Observed: 1 variant allele, 1 heterozygote.

PreventionGenetics, part of Exact Sciences
Classification: Likely benign for CUBN-related condition. Last evaluated: 2020-07-25. Review status: no assertion criteria provided. Collection method: clinical testing. Allele origin: germline. Not counted in ClinVar's aggregate classification.
Comment: This variant is classified as likely benign based on ACMG/AMP sequence variant interpretation guidelines (Richards et al. 2015 PMID: 25741868, with internal and published modifications).